The following is an entry in ClinVar:

ClinVar aggregate classification (germline): Benign. Review status: criteria provided, multiple submitters, no conflicts (2 of 4 stars). 3 submissions from 2 submitters: Benign (3). Last evaluated 2018-01-13.

Conditions:
Cone-rod dystrophy 11 (CORD11). Identifiers: Orphanet 1872, MedGen C1835865, MONDO:0012483, OMIM 610381.
Age related macular degeneration 6. Identifiers: MedGen C3151060, MONDO:0013406, OMIM 613757.

Allele frequency attached by ClinVar (database versions not stated): gnomAD exomes 0.11417; 1000 Genomes Project 0.12660; 1000 Genomes Project 30x 0.12976; gnomAD 0.15761 and 0.15969; TOPMed 0.15856.

Submissions (3):

Illumina Laboratory Services, Illumina
Classification: Benign for Cone-rod dystrophy 11. Last evaluated: 2018-01-13. Review status: criteria provided, single submitter. Criteria: ICSL Variant Classification Criteria 13 December 2019. Collection method: clinical testing. Allele origin: germline.
Comment: This variant was observed in the ICSL laboratory as part of a predisposition screen in an ostensibly healthy population. It had not been previously curated by ICSL or reported in the Human Gene Mutation Database (HGMD: prior to June 1st, 2018), and was therefore a candidate for classification through an automated scoring system. Utilizing variant allele frequency, disease prevalence and penetrance estimates, and inheritance mode, an automated score was calculated to assess if this variant is too frequent to cause the disease. Based on the score and internal cut-off values, a variant classified as benign is not then subjected to further curation. The score for this variant resulted in a classification of benign for this disease.

Illumina Laboratory Services, Illumina
Classification: Benign for Age related macular degeneration 6. Last evaluated: 2018-01-13. Review status: criteria provided, single submitter. Criteria: ICSL Variant Classification Criteria 13 December 2019. Collection method: clinical testing. Allele origin: germline.
Comment: the same text as in the submission from Illumina Laboratory Services, Illumina above.

Breakthrough Genomics
Classification: Benign. Review status: criteria provided, single submitter. Criteria: ACMG Guidelines, 2015. Collection method: not provided. Allele origin: germline. Inheritance: Autosomal recessive inheritance. Affected: yes.

NM_001319074.4(RAX2):c.*1149C>T

Gene: RAX2 (retina and anterior neural fold homeobox 2; minus strand). Cytogenetic location: 19p13.3.
Variant type: single nucleotide variant.
Coding change: c.*1149C>T on transcript NM_001319074.4 (MANE Select); 1149 bases downstream of the stop codon, C replaced by T.
Molecular consequence: 3 prime UTR variant.
Genome position (GRCh38, 1-based): chr19:3,769,472, G>A on the plus strand (C>T on the coding strand, the complement: RAX2 is on the minus strand). VCF-style: chr19-3769472-G-A. GRCh37 (hg19) VCF-style: chr19-3769470-G-A.
Other names: c.*1149C>T (NM_032753.4).
Identifiers: ClinVar variation 328945 (VCV000328945.6), dbSNP rs1860322, ClinGen allele CA10651790.